The following is an entry in ClinVar:

ClinVar aggregate classification (germline): Uncertain significance (1 of 4 stars; one submission).

Conditions:
Focal segmental glomerulosclerosis 5 (FSGS5). Identifiers: Orphanet 656, MedGen C2750475, MONDO:0013191, OMIM 613237.
Charcot-Marie-Tooth disease dominant intermediate E. Also called: CHARCOT-MARIE-TOOTH NEUROPATHY WITH FOCAL SEGMENTAL GLOMERULONEPHRITIS. Identifiers: Orphanet 93114, MedGen C4302667, MONDO:0013758, OMIM 614455.

Allele frequency attached by ClinVar (database versions not stated): gnomAD exomes below 0.00001 and 0.00001; TOPMed 0.00001.
gnomAD v4.1: 9 of 1,604,776 alleles (0.00056%); highest among the groups gnomAD compares: Non-Finnish European, 0.00076%; no homozygotes.

Submission:

Labcorp Genetics (formerly Invitae), Labcorp
Classification: Uncertain significance for Charcot-Marie-Tooth disease dominant intermediate E; Focal segmental glomerulosclerosis 5. Last evaluated: 2024-07-01. Review status: criteria provided, single submitter. Criteria: Invitae Variant Classification Sherloc (09022015). Collection method: clinical testing. Allele origin: germline.
Comment: This sequence change replaces valine, which is neutral and non-polar, with alanine, which is neutral and non-polar, at codon 542 of the INF2 protein (p.Val542Ala). This variant is present in population databases (no rsID available, gnomAD 0.0009%). This variant has not been reported in the literature in individuals affected with INF2-related conditions. ClinVar contains an entry for this variant (Variation ID: 662917). Advanced modeling of protein sequence and biophysical properties (such as structural, functional, and spatial information, amino acid conservation, physicochemical variation, residue mobility, and thermodynamic stability) performed at Invitae indicates that this missense variant is not expected to disrupt INF2 protein function with a negative predictive value of 95%. In summary, the available evidence is currently insufficient to determine the role of this variant in disease. Therefore, it has been classified as a Variant of Uncertain Significance.

NM_022489.4(INF2):c.1625T>C (p.Val542Ala)

Gene: INF2 (inverted formin 2; plus strand). Cytogenetic location: 14q32.33.
Variant type: single nucleotide variant.
Coding change: c.1625T>C on transcript NM_022489.4 (MANE Select); coding-DNA position 1625, T replaced by C.
Protein change: p.Val542Ala; replaces valine 542 with alanine.
Molecular consequence: missense variant.
Genome position (GRCh38, 1-based): chr14:104,707,892, T>C. VCF-style: chr14-104707892-T-C. GRCh37 (hg19) VCF-style: chr14-105174229-T-C.
Other names: c.1625T>C, p.Val542Ala (NM_001031714.4); short protein forms V542A.
Identifiers: ClinVar variation 662917 (VCV000662917.8), dbSNP rs1467920811, ClinGen allele CA391217783.